The following is an entry in ClinVar:

NM_000222.3(KIT):c.722C>A (p.Ser241Tyr)

Gene: KIT (KIT proto-oncogene, receptor tyrosine kinase; plus strand). Cytogenetic location: 4q12.
Variant type: single nucleotide variant.
Coding change: c.722C>A on transcript NM_000222.3 (MANE Select); coding-DNA position 722, C replaced by A.
Protein change: p.Ser241Tyr; replaces serine 241 with tyrosine.
Molecular consequence: missense variant.
Genome position (GRCh38, 1-based): chr4:54,699,732, C>A. VCF-style: chr4-54699732-C-A. GRCh37 (hg19) VCF-style: chr4-55565898-C-A.
Other names: c.722C>A, p.Ser241Tyr (NM_001093772.2, NM_001385284.1, NM_001385285.1 and 4 more transcripts); short protein forms S241Y.
Identifiers: ClinVar variation 1757800 (VCV001757800.3), dbSNP rs2475457218, ClinGen allele CA356898533.
Genomic context (GRCh38, chr4:54,699,732, plus strand): 5'-ATCTTCTTAGGGAAGGGGAAGAATTCACAGTGACGTGCACAATAAAAGATGTGTCTAGTT[C>A]TGTGTACTCAACGTGGAAAAGAGAAAACAGTCAGGTGAGTGAATCGCTTCATTCTTCTCA-3'
Protein context (NP_000213.1, residues 231-251): VTCTIKDVSS[Ser241Tyr]VYSTWKRENS

ClinVar aggregate classification (germline): Uncertain significance (1 of 4 stars; one submission).

Conditions:
Hereditary cancer-predisposing syndrome. Also called: Neoplastic Syndromes, Hereditary; Tumor predisposition; Hereditary Cancer Syndrome; Hereditary neoplastic syndrome. Identifiers: Orphanet 140162, MedGen C0027672, MeSH D009386, MONDO:0015356.

Submission:

Ambry Genetics
Classification: Uncertain significance for Hereditary cancer-predisposing syndrome. Last evaluated: 2025-09-01. Review status: criteria provided, single submitter. Criteria: Ambry Variant Classification Scheme 2023. Collection method: clinical testing. Allele origin: germline.
Comment: The p.S241Y variant (also known as c.722C>A), located in coding exon 4 of the KIT gene, results from a C to A substitution at nucleotide position 722. The serine at codon 241 is replaced by tyrosine, an amino acid with dissimilar properties. This amino acid position is conserved. In addition, this alteration is predicted to be tolerated by in silico analysis. Since supporting evidence is limited at this time, the clinical significance of this alteration remains unclear.